The following is an entry in ClinVar:

ClinVar aggregate classification (germline): Uncertain significance (1 of 4 stars; one submission).

Conditions:
Amyotrophic lateral sclerosis type 21. Also called: MYOPATHY, DISTAL, 2; VOCAL CORD AND PHARYNGEAL DYSFUNCTION WITH DISTAL MYOPATHY. Identifiers: Orphanet 600, Orphanet 803, MedGen C3807521, MONDO:0011632, OMIM 606070.

Submission:

GeneDx
Classification: Uncertain significance. Last evaluated: 2023-07-13. Review status: criteria provided, single submitter. Criteria: GeneDx Variant Classification Process June 2021. Collection method: clinical testing. Allele origin: germline. Affected: yes.
Comment: Not observed at significant frequency in large population cohorts (gnomAD); Frameshift variant predicted to result in protein truncation or nonsense mediated decay in a gene for which loss of function is not an established mechanism of disease; Has not been previously published as pathogenic or benign to our knowledge

NM_018834.6(MATR3):c.844del (p.His282fs)

Gene: MATR3 (matrin 3; plus strand). Cytogenetic location: 5q31.2.
Variant type: Deletion.
Coding change: c.844del on transcript NM_018834.6 (MANE Select); coding-DNA position 844, one base deleted (C; older notation c.844delC).
Protein change: p.His282fs; shifts the reading frame from histidine 282.
Molecular consequence: frameshift variant. On other transcripts: intron variant (11).
Genome position (GRCh38, 1-based): chr5:139,308,259, C deleted; the last of 2 consecutive C bases (chr5:139,308,258-139,308,259); deleting either gives the same sequence. VCF-style (leftmost placement, unchanged base first): chr5-139308257-TC-T. GRCh37 (hg19) VCF-style: chr5-138643946-TC-T.
Other names: c.844del, p.His282fs (NM_001194954.2, NM_001194955.2, NM_001400441.1 and 16 more transcripts); c.52-6416del (NM_001400459.1); c.-102-6416del (NM_001400463.1, NM_001400460.1, NM_001282278.2 and 3 more transcripts); c.-40-7438del (NM_001400462.1, NM_001400467.1); c.13-6416del (NM_001400461.1); c.49-6416del (NM_001194956.2); short protein forms H282fs.
Identifiers: ClinVar variation 3360840 (VCV003360840.2).